The following is an entry in ClinVar:

NM_001710.6(CFB):c.1036+111A>G

Gene: CFB (complement factor B; plus strand). Cytogenetic location: 6p21.33.
Variant type: single nucleotide variant.
Coding change: c.1036+111A>G on transcript NM_001710.6 (MANE Select); 111 bases into the intron after coding-DNA position 1036, A replaced by G.
Molecular consequence: intron variant.
Genome position (GRCh38, 1-based): chr6:31,948,623, A>G. VCF-style: chr6-31948623-A-G. GRCh37 (hg19) VCF-style: chr6-31916400-A-G.
Identifiers: ClinVar variation 1285918 (VCV001285918.2), dbSNP rs537160, ClinGen allele CA12187929.

ClinVar aggregate classification (germline): Benign. Review status: criteria provided, multiple submitters, no conflicts (2 of 4 stars). 2 submissions from 2 submitters: Benign (2). Last evaluated 2025-09-26.

Conditions:
Atypical hemolytic-uremic syndrome. Identifiers: Orphanet 2134, MedGen C2931788, MONDO:0016244.

Allele frequency attached by ClinVar (database versions not stated): TOPMed 0.73280; 1000 Genomes Project 0.75519; 1000 Genomes Project 30x 0.75609.
gnomAD v4.1: 1,065,703 of 1,558,018 alleles (68%); highest among the groups gnomAD compares: Middle Eastern, 90%; 370,930 homozygotes.

Submissions (2):

Genomenon, Inc
Classification: Benign for Atypical hemolytic-uremic syndrome. Last evaluated: 2025-09-26. Review status: criteria provided, single submitter. Criteria: Genomenon Sequence Variant Interpretation Standards - Updated. Collection method: curation. Allele origin: germline. Affected: no.
Comment: CFB c.1036+111A>G is a deeply intronic variant located in intron 7. This variant has been reported in the published literature (PMID:29682912). This variant is present at high allele frequency in population databases. In conclusion, we classify CFB c.1036+111A>G as a benign variant.

GeneDx
Classification: Benign. Last evaluated: 2018-11-10. Review status: criteria provided, single submitter. Criteria: GeneDx Variant Classification Process June 2021. Collection method: clinical testing. Allele origin: germline. Affected: yes.

Literature cited by the submitters: PubMed 29682912 (cited by Genomenon, Inc).